The following is an entry in ClinVar:

ClinVar aggregate classification (germline): Uncertain significance. Review status: criteria provided, multiple submitters, no conflicts (2 of 4 stars). 4 submissions from 4 submitters: Uncertain significance (3). 1 of the submissions does not count toward it. Last evaluated 2025-10-03.

Conditions:
Hereditary cancer-predisposing syndrome. Also called: Hereditary neoplastic syndrome; Tumor predisposition; Hereditary Cancer Syndrome; Neoplastic Syndromes, Hereditary. Identifiers: Orphanet 140162, MedGen C0027672, MeSH D009386, MONDO:0015356.
Fanconi anemia (FA). Also called: Fanconi's anemia. Identifiers: Orphanet 84, MedGen C0015625, MeSH D005199, MONDO:0019391.
Fanconi anemia complementation group C (FANCC). Also called: FANCC-Related Fanconi Anemia; Fanconi anemia, group C; FANCONI PANCYTOPENIA, TYPE 3; FACC. Identifiers: Orphanet 84, MedGen C3468041, MONDO:0009213, OMIM 227645.

Allele frequency attached by ClinVar (database versions not stated): TOPMed below 0.00001; gnomAD 0.00001; gnomAD exomes 0.00003.
gnomAD v4.1: 28 of 1,614,028 alleles (0.0017%); highest among the groups gnomAD compares: Non-Finnish European, 0.0024%; no homozygotes.

Submissions (4):

Ambry Genetics
Classification: Uncertain significance for Hereditary cancer-predisposing syndrome. Last evaluated: 2025-10-03. Review status: criteria provided, single submitter. Criteria: Ambry Variant Classification Scheme 2023. Collection method: clinical testing. Allele origin: germline.
Comment: The p.H37D variant (also known as c.109C>G), located in coding exon 1 of the FANCC gene, results from a C to G substitution at nucleotide position 109. The histidine at codon 37 is replaced by aspartic acid, an amino acid with similar properties. This amino acid position is highly conserved in available vertebrate species. In addition, the in silico prediction for this alteration is inconclusive. Since supporting evidence is limited at this time, the clinical significance of this alteration remains unclear.

GeneDx
Classification: Uncertain significance. Last evaluated: 2024-01-08. Review status: criteria provided, single submitter. Criteria: GeneDx Variant Classification Process June 2021. Collection method: clinical testing. Allele origin: germline. Affected: yes.
Comment: Not observed at significant frequency in large population cohorts (gnomAD); In silico analysis supports that this missense variant has a deleterious effect on protein structure/function; Has not been previously published as pathogenic or benign to our knowledge; This variant is associated with the following publications: (PMID: Gordon2000[Book])

Labcorp Genetics (formerly Invitae), Labcorp
Classification: Uncertain significance for Fanconi anemia. Last evaluated: 2021-10-08. Review status: criteria provided, single submitter. Criteria: Invitae Variant Classification Sherloc (09022015). Collection method: clinical testing. Allele origin: germline.
Comment: This sequence change replaces histidine with aspartic acid at codon 37 of the FANCC protein (p.His37Asp). The histidine residue is highly conserved and there is a moderate physicochemical difference between histidine and aspartic acid. This variant is not present in population databases (ExAC no frequency). This variant has not been reported in the literature in individuals affected with FANCC-related conditions. Experimental studies and prediction algorithms are not available or were not evaluated, and the functional significance of this variant is currently unknown. In summary, the available evidence is currently insufficient to determine the role of this variant in disease. Therefore, it has been classified as a Variant of Uncertain Significance.

Natera, Inc.
Classification: Uncertain significance for Fanconi anemia, group C. Last evaluated: 2019-02-08. Review status: no assertion criteria provided. Collection method: clinical testing. Allele origin: germline. Not counted in ClinVar's aggregate classification.

NM_000136.3(FANCC):c.109C>G (p.His37Asp)

Gene: FANCC (FA complementation group C; minus strand). Cytogenetic location: 9q22.32.
Variant type: single nucleotide variant.
Coding change: c.109C>G on transcript NM_000136.3 (MANE Select); coding-DNA position 109, C replaced by G.
Protein change: p.His37Asp; replaces histidine 37 with aspartic acid.
Molecular consequence: missense variant.
Genome position (GRCh38, 1-based): chr9:95,249,183, G>C on the plus strand (C>G on the coding strand, the complement: FANCC is on the minus strand). VCF-style: chr9-95249183-G-C. GRCh37 (hg19) VCF-style: chr9-98011465-G-C.
Other names: c.109C>G, p.His37Asp (NM_001243743.2, NM_001243744.2); short protein forms H37D.
Identifiers: ClinVar variation 219747 (VCV000219747.11), dbSNP rs864622230, ClinGen allele CA349729.